The following is an entry in ClinVar:

NM_006031.6(PCNT):c.8150A>G (p.Asn2717Ser)

Gene: PCNT (pericentrin; plus strand). Cytogenetic location: 21q22.3.
Variant type: single nucleotide variant.
Coding change: c.8150A>G on transcript NM_006031.6 (MANE Select); coding-DNA position 8150, A replaced by G.
Protein change: p.Asn2717Ser; replaces asparagine 2717 with serine.
Molecular consequence: missense variant.
Genome position (GRCh38, 1-based): chr21:46,431,614, A>G. VCF-style: chr21-46431614-A-G. GRCh37 (hg19) VCF-style: chr21-47851528-A-G.
Other names: c.7796A>G, p.Asn2599Ser (NM_001315529.2); short protein forms N2599S, N2717S.
Identifiers: ClinVar variation 4996571 (VCV004996571.1).
Genomic context (GRCh38, chr21:46,431,614, plus strand): 5'-AGCGTGCTCAGAGCAGTCGACTCTGCGTGGCACTGAAACACGAGCAGACGGCCAAGGACA[A>G]CCTGCAGAAGGAGCTGCGTATCGAGCACTCACGCTGCGAGGCCTTGCTGGCTCAGGAGCG-3'
Protein context (NP_006022.3, residues 2707-2727): ALKHEQTAKD[Asn2717Ser]LQKELRIEHS

ClinVar aggregate classification (germline): Uncertain significance (1 of 4 stars; one submission).

Conditions:
PCNT-related disorder. Also called: PCNT-related condition.

gnomAD v4.1: 2 of 1,614,048 alleles (0.00012%); highest among the groups gnomAD compares: African/African-American, 0.0013%; no homozygotes.

Submission:

PreventionGenetics, part of Exact Sciences
Classification: Uncertain significance for PCNT-related condition. Last evaluated: 2025-12-05. Review status: criteria provided, single submitter. Criteria: ACMG Guidelines, 2015. Collection method: clinical testing. Allele origin: germline.
Comment: The PCNT c.8150A>G variant is predicted to result in the amino acid substitution p.Asn2717Ser. To our knowledge, this variant has not been reported in the literature or in a large population database (gnomAD), indicating this variant is rare. At this time, the clinical significance of this variant is uncertain due to the absence of conclusive functional and genetic evidence.